The following is an entry in ClinVar:

ClinVar aggregate classification (germline): Uncertain significance (1 of 4 stars; one submission).

gnomAD v4.1: 6 of 1,614,102 alleles (0.00037%); highest among the groups gnomAD compares: African/African-American, 0.008%; no homozygotes.

Submission:

GeneDx
Classification: Uncertain significance. Last evaluated: 2023-08-01. Review status: criteria provided, single submitter. Criteria: GeneDx Variant Classification Process June 2021. Collection method: clinical testing. Allele origin: germline. Affected: yes.
Comment: In silico analysis supports that this missense variant has a deleterious effect on protein structure/function; Has not been previously published as pathogenic or benign to our knowledge

NM_207034.3(EDN3):c.393C>G (p.Asn131Lys)

Gene: EDN3 (endothelin 3; plus strand). Cytogenetic location: 20q13.32.
Variant type: single nucleotide variant.
Coding change: c.393C>G on transcript NM_207034.3 (MANE Select); coding-DNA position 393, C replaced by G.
Protein change: p.Asn131Lys; replaces asparagine 131 with lysine.
Molecular consequence: missense variant.
Genome position (GRCh38, 1-based): chr20:59,321,044, C>G. VCF-style: chr20-59321044-C-G. GRCh37 (hg19) VCF-style: chr20-57896099-C-G.
Other names: c.393C>G, p.Asn131Lys (NM_001302455.2, NM_001302456.2, NM_001424361.1 and 4 more transcripts); short protein forms N131K.
Identifiers: ClinVar variation 3361805 (VCV003361805.1).